The following is an entry in ClinVar:

NM_001040142.2(SCN2A):c.4815C>T (p.Ser1605=)

Gene: SCN2A (sodium voltage-gated channel alpha subunit 2; plus strand). Cytogenetic location: 2q24.3.
Variant type: single nucleotide variant.
Coding change: c.4815C>T on transcript NM_001040142.2 (MANE Select); coding-DNA position 4815, C replaced by T.
Protein change: p.Ser1605=; no amino-acid change (serine 1605 retained).
Molecular consequence: synonymous variant.
Genome position (GRCh38, 1-based): chr2:165,387,009, C>T. VCF-style: chr2-165387009-C-T. GRCh37 (hg19) VCF-style: chr2-166243519-C-T.
Other names: c.4815C>T, p.Ser1605= (NM_001040143.2, NM_001371246.1, NM_001371247.1 and 1 more transcripts).
Identifiers: ClinVar variation 2651491 (VCV002651491.24), dbSNP rs2468150233, ClinGen allele CA429972550.

ClinVar aggregate classification (germline): Likely benign (1 of 4 stars; one submission).

gnomAD v4.1: 1 of 1,613,470 alleles (0.000062%); no homozygotes.

Submission:

CeGaT Center for Human Genetics Tuebingen
Classification: Likely benign. Last evaluated: 2022-10-01. Review status: criteria provided, single submitter. Criteria: CeGaT Center For Human Genetics Tuebingen Variant Classification Criteria Version 2. Collection method: clinical testing. Allele origin: germline. Affected: yes. Observed: 1 variant allele.
Comment: SCN2A: PM2:Supporting, BP4, BP7